The following is an entry in ClinVar:

ClinVar aggregate classification (germline): Uncertain significance. Review status: criteria provided, multiple submitters, no conflicts (2 of 4 stars). 2 submissions from 2 submitters: Uncertain significance (2). Last evaluated 2025-11-24.

Conditions:
ZFPM2-related disorder. Also called: ZFPM2-related condition.
46,XY sex reversal 9 (SRXY9). Also called: 46,XY SEX REVERSAL, ZFPM2-RELATED. Identifiers: Orphanet 251510, MedGen C4015129, MONDO:0014480, OMIM 616067.

Allele frequency attached by ClinVar (database versions not stated): gnomAD exomes 0.00001.
gnomAD v4.1: 3 of 1,613,932 alleles (0.00019%); highest among the groups gnomAD compares: Non-Finnish European, 0.00025%; no homozygotes.

Submissions (2):

PreventionGenetics, part of Exact Sciences
Classification: Uncertain significance for ZFPM2-related condition. Last evaluated: 2025-11-24. Review status: criteria provided, single submitter. Criteria: ACMG Guidelines, 2015. Collection method: clinical testing. Allele origin: germline.
Comment: The ZFPM2 c.1456C>T variant is predicted to result in the amino acid substitution p.Pro486Ser. To our knowledge, this variant has not been reported in the literature or in a large population database (gnomAD), indicating this variant is rare. At this time, the clinical significance of this variant is uncertain due to the absence of conclusive functional and genetic evidence.

Labcorp Genetics (formerly Invitae), Labcorp
Classification: Uncertain significance for 46,XY sex reversal 9. Last evaluated: 2023-06-21. Review status: criteria provided, single submitter. Criteria: Invitae Variant Classification Sherloc (09022015). Collection method: clinical testing. Allele origin: germline.
Comment: This sequence change replaces proline, which is neutral and non-polar, with serine, which is neutral and polar, at codon 486 of the ZFPM2 protein (p.Pro486Ser). This variant is not present in population databases (gnomAD no frequency). This variant has not been reported in the literature in individuals affected with ZFPM2-related conditions. An algorithm developed to predict the effect of missense changes on protein structure and function (PolyPhen-2) suggests that this variant is likely to be tolerated. In summary, the available evidence is currently insufficient to determine the role of this variant in disease. Therefore, it has been classified as a Variant of Uncertain Significance.

NM_012082.4(ZFPM2):c.1456C>T (p.Pro486Ser)

Genes: ZFPM2 (zinc finger protein, FOG family member 2; plus strand), ZFPM2-AS1 (ZFPM2 antisense RNA 1; minus strand). Cytogenetic location: 8q23.1.
Variant type: single nucleotide variant.
Coding change: c.1456C>T on transcript NM_012082.4 (MANE Select); coding-DNA position 1456, C replaced by T.
Protein change: p.Pro486Ser; replaces proline 486 with serine.
Molecular consequence: missense variant.
Genome position (GRCh38, 1-based): chr8:105,801,538, C>T. VCF-style: chr8-105801538-C-T. GRCh37 (hg19) VCF-style: chr8-106813766-C-T.
Other names: c.1456C>T (NM_012082.3); c.1297C>T, p.Pro433Ser (NM_001362836.2); c.1060C>T, p.Pro354Ser (NM_001362837.2); short protein forms P433S, P486S, P354S.
Identifiers: ClinVar variation 2732684 (VCV002732684.4), dbSNP rs2488152565, ClinGen allele CA371950689.